The following is an entry in ClinVar:

NM_000135.4(FANCA):c.2247C>T (p.Phe749=)

Gene: FANCA (FA complementation group A; minus strand). Cytogenetic location: 16q24.3.
Variant type: single nucleotide variant.
Coding change: c.2247C>T on transcript NM_000135.4 (MANE Select); coding-DNA position 2247, C replaced by T.
Protein change: p.Phe749=; no amino-acid change (phenylalanine 749 retained).
Molecular consequence: synonymous variant.
Genome position (GRCh38, 1-based): chr16:89,770,235, G>A on the plus strand (C>T on the coding strand, the complement: FANCA is on the minus strand). VCF-style: chr16-89770235-G-A. GRCh37 (hg19) VCF-style: chr16-89836643-G-A.
Other names: c.2247C>T (NM_000135.2, NM_000135.3); c.2247C>T, p.Phe749= (NM_001286167.3).
Identifiers: ClinVar variation 1121322 (VCV001121322.18), dbSNP rs772842754, ClinGen allele CA8251817.

ClinVar aggregate classification (germline): Likely benign. Review status: criteria provided, multiple submitters, no conflicts (2 of 4 stars). 7 submissions from 7 submitters: Likely benign (7). Last evaluated 2026-03-01.

Conditions:
Inborn genetic diseases. Identifiers: MedGen C0950123, MeSH D030342.
FANCA-related disorder. Also called: FANCA-related condition.
Fanconi anemia (FA). Also called: Fanconi's anemia. Identifiers: Orphanet 84, MedGen C0015625, MeSH D005199, MONDO:0019391.
Fanconi anemia complementation group A (FANCA). Also called: Fanconi anemia, group A; FANCA-Related Fanconi Anemia. Identifiers: Orphanet 84, MedGen C3469521, MONDO:0009215, OMIM 227650.

Allele frequency attached by ClinVar (database versions not stated): gnomAD 0.00001; TOPMed 0.00001; ExAC 0.00008.

Submissions (7):

CeGaT Center for Human Genetics Tuebingen
Classification: Likely benign. Last evaluated: 2026-03-01. Review status: criteria provided, single submitter. Criteria: CeGaT Center For Human Genetics Tuebingen Variant Classification Criteria Version 2. Collection method: clinical testing. Allele origin: germline. Affected: yes. Observed: 1 variant allele.
Comment: FANCA: BP4, BP7

PreventionGenetics, part of Exact Sciences
Classification: Likely benign for FANCA-related condition. Last evaluated: 2026-01-22. Review status: criteria provided, single submitter. Criteria: ACMG Guidelines, 2015. Collection method: clinical testing. Allele origin: germline.
Comment: This variant is classified as likely benign based on ACMG/AMP sequence variant interpretation guidelines (Richards et al. 2015 PMID: 25741868, with internal and published modifications).

Labcorp Genetics (formerly Invitae), Labcorp
Classification: Likely benign for Fanconi anemia. Last evaluated: 2025-12-23. Review status: criteria provided, single submitter. Criteria: Invitae Variant Classification Sherloc (09022015). Collection method: clinical testing. Allele origin: germline.

Quest Diagnostics Nichols Institute San Juan Capistrano
Classification: Likely benign. Last evaluated: 2025-03-06. Review status: criteria provided, single submitter. Criteria: Quest Diagnostics criteria. Collection method: clinical testing. Allele origin: unknown.

Ambry Genetics
Classification: Likely benign for Inborn genetic diseases. Last evaluated: 2024-11-18. Review status: criteria provided, single submitter. Criteria: Ambry Variant Classification Scheme 2023. Collection method: clinical testing. Allele origin: germline.

Fulgent Genetics
Classification: Likely benign for Fanconi anemia complementation group A. Last evaluated: 2021-10-27. Review status: criteria provided, single submitter. Criteria: ACMG Guidelines, 2015. Collection method: clinical testing. Allele origin: unknown.

Blueprint Genetics
Classification: Likely benign. Last evaluated: 2021-08-26. Review status: criteria provided, single submitter. Criteria: ACMG Guidelines, 2015. Collection method: clinical testing. Allele origin: germline.